The following is an entry in ClinVar:

ClinVar aggregate classification (germline): Likely benign. Review status: criteria provided, multiple submitters, no conflicts (2 of 4 stars). 2 submissions from 2 submitters: Likely benign (2). Last evaluated 2026-01-16.

Conditions:
Cortical dysplasia-focal epilepsy syndrome (PTHSL1). Also called: Pitt-Hopkins-like syndrome 1. Identifiers: Orphanet 163681, Orphanet 221150, MedGen C2750246, MONDO:0012400, OMIM 610042.

Allele frequency attached by ClinVar (database versions not stated): gnomAD 0.00001 and 0.00003; TOPMed 0.00007; ESP Exome Variant Server 0.00008; ExAC 0.00015; 1000 Genomes Project 30x 0.00016; gnomAD exomes 0.00016; 1000 Genomes Project 0.00020.
gnomAD v4.1: 59 of 1,599,250 alleles (0.0037%); highest among the groups gnomAD compares: Admixed American, 0.05%; no homozygotes.

Submissions (2):

Labcorp Genetics (formerly Invitae), Labcorp
Classification: Likely benign for Cortical dysplasia-focal epilepsy syndrome. Last evaluated: 2026-01-16. Review status: criteria provided, single submitter. Criteria: Invitae Variant Classification Sherloc (09022015). Collection method: clinical testing. Allele origin: germline.

GeneDx
Classification: Likely benign. Last evaluated: 2017-06-20. Review status: criteria provided, single submitter. Criteria: GeneDx Variant Classification (06012015). Collection method: clinical testing. Allele origin: germline. Affected: yes.
Comment: This variant is considered likely benign or benign based on one or more of the following criteria: it is a conservative change, it occurs at a poorly conserved position in the protein, it is predicted to be benign by multiple in silico algorithms, and/or has population frequency not consistent with disease.

NM_014141.6(CNTNAP2):c.3475+16G>A

Gene: CNTNAP2 (contactin associated protein 2; plus strand). Cytogenetic location: 7q36.1.
Variant type: single nucleotide variant.
Coding change: c.3475+16G>A on transcript NM_014141.6 (MANE Select); 16 bases into the intron after coding-DNA position 3475, G replaced by A.
Molecular consequence: intron variant.
Genome position (GRCh38, 1-based): chr7:148,267,142, G>A. VCF-style: chr7-148267142-G-A. GRCh37 (hg19) VCF-style: chr7-147964234-G-A.
Identifiers: ClinVar variation 386970 (VCV000386970.9), dbSNP rs193228886, ClinGen allele CA4546661.